The following is an entry in ClinVar:

NM_005633.4(SOS1):c.3959A>C (p.His1320Pro)

Gene: SOS1 (SOS Ras/Rac guanine nucleotide exchange factor 1; minus strand). Cytogenetic location: 2p22.1.
Variant type: single nucleotide variant.
Coding change: c.3959A>C on transcript NM_005633.4 (MANE Select); coding-DNA position 3959, A replaced by C.
Protein change: p.His1320Pro; replaces histidine 1320 with proline.
Molecular consequence: missense variant.
Genome position (GRCh38, 1-based): chr2:38,985,867, T>G on the plus strand (A>C on the coding strand, the complement: SOS1 is on the minus strand). VCF-style: chr2-38985867-T-G. GRCh37 (hg19) VCF-style: chr2-39213008-T-G.
Other names: c.3938A>C, p.His1313Pro (NM_001382394.1); c.3914A>C, p.His1305Pro (NM_001382395.1); short protein forms H1305P, H1320P, H1313P.
Identifiers: ClinVar variation 1896891 (VCV001896891.7), dbSNP rs1404062370, ClinGen allele CA346361955.

ClinVar aggregate classification (germline): Uncertain significance. Review status: criteria provided, multiple submitters, no conflicts (2 of 4 stars). 3 submissions from 3 submitters: Uncertain significance (3). Last evaluated 2024-12-17.

Conditions:
RASopathy. Also called: rasopathies; Noonan spectrum disorder. Identifiers: Orphanet 536391, MedGen C5555857, MONDO:0021060.
Noonan syndrome 4 (NS4). Also called: NOONAN SYNDROME WITH PIGMENTED VILLONODULAR SYNOVITIS; SOS1-Related Noonan Syndrome. Identifiers: Orphanet 648, MedGen C1853120, MONDO:0012547, OMIM 610733.

Allele frequency attached by ClinVar (database versions not stated): gnomAD exomes below 0.00001.
gnomAD v4.1: 1 of 1,613,828 alleles (0.000062%); highest among the groups gnomAD compares: Admixed American, 0.0017%; no homozygotes.

Submissions (3):

Labcorp Genetics (formerly Invitae), Labcorp
Classification: Uncertain significance for RASopathy. Last evaluated: 2024-12-17. Review status: criteria provided, single submitter. Criteria: Invitae Variant Classification Sherloc (09022015). Collection method: clinical testing. Allele origin: germline.
Comment: This sequence change replaces histidine, which is basic and polar, with proline, which is neutral and non-polar, at codon 1320 of the SOS1 protein (p.His1320Pro). This variant is not present in population databases (gnomAD no frequency). This variant has not been reported in the literature in individuals affected with SOS1-related conditions. ClinVar contains an entry for this variant (Variation ID: 1896891). Invitae Evidence Modeling of protein sequence and biophysical properties (such as structural, functional, and spatial information, amino acid conservation, physicochemical variation, residue mobility, and thermodynamic stability) indicates that this missense variant is not expected to disrupt SOS1 protein function with a negative predictive value of 95%. In summary, the available evidence is currently insufficient to determine the role of this variant in disease. Therefore, it has been classified as a Variant of Uncertain Significance.

Baylor Genetics
Classification: Uncertain significance for Noonan syndrome 4. Last evaluated: 2024-01-25. Review status: criteria provided, single submitter. Criteria: ACMG Guidelines, 2015. Collection method: clinical testing. Allele origin: unknown.

GeneDx
Classification: Uncertain significance. Last evaluated: 2023-05-23. Review status: criteria provided, single submitter. Criteria: GeneDx Variant Classification Process June 2021. Collection method: clinical testing. Allele origin: germline. Affected: yes.
Comment: Not observed at significant frequency in large population cohorts (gnomAD); Missense variants in this gene are often considered pathogenic (HGMD); In silico analysis supports that this missense variant does not alter protein structure/function; Has not been previously published as pathogenic or benign to our knowledge; This variant is associated with the following publications: (PMID: 29493581)